The following is an entry in ClinVar:

NM_170606.3(KMT2C):c.13732G>T (p.Val4578Leu)

Gene: KMT2C (lysine methyltransferase 2C; minus strand). Cytogenetic location: 7q36.1.
Variant type: single nucleotide variant.
Coding change: c.13732G>T on transcript NM_170606.3 (MANE Select); coding-DNA position 13732, G replaced by T.
Protein change: p.Val4578Leu; replaces valine 4578 with leucine.
Molecular consequence: missense variant.
Genome position (GRCh38, 1-based): chr7:152,148,195, C>A on the plus strand (G>T on the coding strand, the complement: KMT2C is on the minus strand). VCF-style: chr7-152148195-C-A. GRCh37 (hg19) VCF-style: chr7-151845280-C-A.
Other names: short protein forms V4578L.
Identifiers: ClinVar variation 4983436 (VCV004983436.1).
Genomic context (GRCh38, chr7:152,148,195, plus strand): 5'-AGCGGCAGCGCCTATTGGCATAGCGAGTGCTCCAGTACAGCCGGCTGGCTTCATAGCCCA[C>A]AGGGAAGAGTGCTTTAGGAGAATGGAATGCTTGCATCTGCTGTGGAAGCAGCTGACCAAT-3'
Protein context (NP_733751.2, residues 4568-4588): AFHSPKALFP[Val4578Leu]GYEASRLYWS

ClinVar aggregate classification (germline): Uncertain significance (1 of 4 stars; one submission).

Conditions:
KMT2C-related disorder. Also called: KMT2C-related condition; KMT2C-related disorders.

gnomAD v4.1: 5 of 1,614,214 alleles (0.00031%); highest among the groups gnomAD compares: Non-Finnish European, 0.00042%; no homozygotes.

Submission:

PreventionGenetics, part of Exact Sciences
Classification: Uncertain significance for KMT2C-related condition. Last evaluated: 2025-01-04. Review status: criteria provided, single submitter. Criteria: ACMG Guidelines, 2015. Collection method: clinical testing. Allele origin: germline.
Comment: The KMT2C c.13732G>T variant is predicted to result in the amino acid substitution p.Val4578Leu. To our knowledge, this variant has not been reported in the literature or in a large population database (gnomAD), indicating this variant is rare. At this time, the clinical significance of this variant is uncertain due to the absence of conclusive functional and genetic evidence.